The following is an entry in ClinVar:

NM_000051.4(ATM):c.7537A>G (p.Thr2513Ala)

Genes: ATM (ATM serine/threonine kinase; plus strand), C11orf65 (chromosome 11 open reading frame 65; minus strand). Cytogenetic location: 11q22.3.
Variant type: single nucleotide variant.
Coding change: c.7537A>G on transcript NM_000051.4 (MANE Select); coding-DNA position 7537, A replaced by G.
Protein change: p.Thr2513Ala; replaces threonine 2513 with alanine.
Molecular consequence: missense variant. On other transcripts: non-coding transcript variant (1), intron variant (2).
Genome position (GRCh38, 1-based): chr11:108,331,465, A>G. VCF-style: chr11-108331465-A-G. GRCh37 (hg19) VCF-style: chr11-108202192-A-G.
Other names: c.7537A>G, p.Thr2513Ala (NM_001351834.2); c.641-22394T>C (NM_001330368.2); c.*38+3755T>C (NM_001351110.2); short protein forms T2513A.
Identifiers: ClinVar variation 1011685 (VCV001011685.22), dbSNP rs1480066803, ClinGen allele CA382560677.
Genomic context (GRCh38, chr11:108,331,465, plus strand): 5'-ACCTTGTTTCTTAATTTTGTGTCTTTTTTTTAATGGTAGAGAGACGGAATGAAGATTCCA[A>G]CATATAAATTTTTGCCTCTTATGTACCAATTGGCTGCTAGAATGGGGACCAAGATGATGG-3'
Protein context (NP_000042.3, residues 2503-2523): MMKRDGMKIP[Thr2513Ala]YKFLPLMYQL

ClinVar aggregate classification (germline): Uncertain significance. Review status: criteria provided, multiple submitters, no conflicts (2 of 4 stars). 4 submissions from 4 submitters: Uncertain significance (3). 1 of the submissions does not count toward it. Last evaluated 2026-02-03.

Conditions:
Familial cancer of breast. Also called: Hereditary breast cancer; hereditary breast carcinoma; BREAST CANCER, FAMILIAL. Identifiers: Orphanet 227535, MedGen C0346153, MONDO:0016419, OMIM 114480. Disease mechanism: loss of function.
Hereditary cancer-predisposing syndrome. Also called: Neoplastic Syndromes, Hereditary; Tumor predisposition; Hereditary Cancer Syndrome; Hereditary neoplastic syndrome. Identifiers: Orphanet 140162, MedGen C0027672, MeSH D009386, MONDO:0015356.
Ataxia-telangiectasia syndrome (AT). Also called: Ataxia telangiectasia (A-T); ATAXIA-TELANGIECTASIA, COMPLEMENTATION GROUP A; ATAXIA-TELANGIECTASIA, FRESNO VARIANT; Ataxia-telangiectasia; Ataxia-telangiectasia, complementation group E; LOUIS-BAR SYNDROME. Identifiers: Orphanet 100, MedGen C0004135, MONDO:0008840, OMIM 208900.

Allele frequency attached by ClinVar (database versions not stated): gnomAD exomes below 0.00001.
gnomAD v4.1: 1 of 1,613,488 alleles (0.000062%); highest among the groups gnomAD compares: Admixed American, 0.0017%; no homozygotes.

Submissions (4):

Labcorp Genetics (formerly Invitae), Labcorp
Classification: Uncertain significance for Ataxia-telangiectasia syndrome. Last evaluated: 2026-02-03. Review status: criteria provided, single submitter. Criteria: Invitae Variant Classification Sherloc (09022015). Collection method: clinical testing. Allele origin: germline.
Comment: This sequence change replaces threonine, which is neutral and polar, with alanine, which is neutral and non-polar, at codon 2513 of the ATM protein (p.Thr2513Ala). This variant is present in population databases (no rsID available, gnomAD 0.003%). This variant has not been reported in the literature in individuals affected with ATM-related conditions. ClinVar contains an entry for this variant (Variation ID: 1011685). Invitae Evidence Modeling of protein sequence and biophysical properties (such as structural, functional, and spatial information, amino acid conservation, physicochemical variation, residue mobility, and thermodynamic stability) indicates that this missense variant is not expected to disrupt ATM protein function with a negative predictive value of 95%. In summary, the available evidence is currently insufficient to determine the role of this variant in disease. Therefore, it has been classified as a Variant of Uncertain Significance.

Ambry Genetics
Classification: Uncertain significance for Hereditary cancer-predisposing syndrome. Last evaluated: 2025-09-12. Review status: criteria provided, single submitter. Criteria: Ambry Variant Classification Scheme 2023. Collection method: clinical testing. Allele origin: germline.
Comment: The p.T2513A variant (also known as c.7537A>G), located in coding exon 50 of the ATM gene, results from an A to G substitution at nucleotide position 7537. The threonine at codon 2513 is replaced by alanine, an amino acid with similar properties. This amino acid position is poorly conserved in available vertebrate species. In addition, this alteration is predicted to be tolerated by in silico analysis. Based on the available evidence, the clinical significance of this variant remains unclear.

Baylor Genetics
Classification: Uncertain significance for Familial cancer of breast. Last evaluated: 2023-08-02. Review status: criteria provided, single submitter. Criteria: ACMG Guidelines, 2015. Collection method: clinical testing. Allele origin: unknown.

Natera, Inc.
Classification: Uncertain significance for Ataxia-telangiectasia. Last evaluated: 2020-10-14. Review status: no assertion criteria provided. Collection method: clinical testing. Allele origin: germline. Not counted in ClinVar's aggregate classification.